The following is an entry in ClinVar:

ClinVar aggregate classification (germline): Benign. Review status: criteria provided, multiple submitters, no conflicts (2 of 4 stars). 6 submissions from 5 submitters: Benign (6). Last evaluated 2026-01-27.

Conditions:
Melnick-Fraser syndrome (BOR). Also called: Branchiootorenal syndrome; Branchiootorenal Syndrome (BORS); Branchio-oto-renal syndrome. Identifiers: Orphanet 107, MedGen C0265234, MONDO:0007029.
Otofaciocervical syndrome 1 (OTFCS). Identifiers: MedGen C3714941, MONDO:0024532, OMIM 166780.
Branchiootic syndrome 1 (BOS1). Also called: BO SYNDROME 1; BRANCHIOOTIC DYSPLASIA. Identifiers: MedGen C1865143, MONDO:0011258, OMIM 602588.

Allele frequency attached by ClinVar (database versions not stated): gnomAD exomes 0.00124; ExAC 0.00164; TOPMed 0.00491; 1000 Genomes Project 0.00519; 1000 Genomes Project 30x 0.00578; ESP Exome Variant Server 0.00623.
gnomAD v4.1: 1,390 of 1,614,072 alleles (0.086%); highest among the groups gnomAD compares: African/African-American, 1.6%; 8 homozygotes.

Submissions (6):

Labcorp Genetics (formerly Invitae), Labcorp
Classification: Benign for Melnick-Fraser syndrome. Last evaluated: 2026-01-27. Review status: criteria provided, single submitter. Criteria: Invitae Variant Classification Sherloc (09022015). Collection method: clinical testing. Allele origin: germline.

Blueprint Genetics
Classification: Benign. Last evaluated: 2024-09-02. Review status: criteria provided, single submitter. Criteria: ACMG Guidelines, 2015. Collection method: clinical testing. Allele origin: germline.

GeneDx
Classification: Benign. Last evaluated: 2018-01-18. Review status: criteria provided, single submitter. Criteria: GeneDx Variant Classification (06012015). Collection method: clinical testing. Allele origin: germline. Affected: yes.
Comment: This variant is considered likely benign or benign based on one or more of the following criteria: it is a conservative change, it occurs at a poorly conserved position in the protein, it is predicted to be benign by multiple in silico algorithms, and/or has population frequency not consistent with disease.

Illumina Laboratory Services, Illumina
Classification: Benign for Branchiootic syndrome. Last evaluated: 2018-01-13. Review status: criteria provided, single submitter. Criteria: ICSL Variant Classification Criteria 13 December 2019. Collection method: clinical testing. Allele origin: germline.
Comment: This variant was observed in the ICSL laboratory as part of a predisposition screen in an ostensibly healthy population. It had not been previously curated by ICSL or reported in the Human Gene Mutation Database (HGMD: prior to June 1st, 2018), and was therefore a candidate for classification through an automated scoring system. Utilizing variant allele frequency, disease prevalence and penetrance estimates, and inheritance mode, an automated score was calculated to assess if this variant is too frequent to cause the disease. Based on the score and internal cut-off values, a variant classified as benign is not then subjected to further curation. The score for this variant resulted in a classification of benign for this disease.

Illumina Laboratory Services, Illumina
Classification: Benign for Otofaciocervical syndrome 1. Last evaluated: 2018-01-13. Review status: criteria provided, single submitter. Criteria: ICSL Variant Classification Criteria 13 December 2019. Collection method: clinical testing. Allele origin: germline.
Comment: the same text as in the submission from Illumina Laboratory Services, Illumina above.

Laboratory for Molecular Medicine, Mass General Brigham Personalized Medicine
Classification: Benign. Last evaluated: 2012-05-07. Review status: criteria provided, single submitter. Criteria: LMM Criteria. Collection method: clinical testing. Allele origin: germline. Observed: 6 variant alleles.
Comment: "Thr248Thr in Exon 08 of EYA1: This variant is not expected to have clinical sig nificance because it does not alter an amino acid residue, is not located within the splice consensus sequence, and has been identified in 1.8% (67/3738) of Afr ican American chromosomes from a broad population by the NHLBI Exome Sequencing Project (dbSNP rs10098224)."

NM_000503.6(EYA1):c.744G>A (p.Thr248=)

Gene: EYA1 (EYA transcriptional coactivator and phosphatase 1; minus strand). Cytogenetic location: 8q13.3.
Variant type: single nucleotide variant.
Coding change: c.744G>A on transcript NM_000503.6 (MANE Select); coding-DNA position 744, G replaced by A.
Protein change: p.Thr248=; no amino-acid change (threonine 248 retained).
Molecular consequence: synonymous variant.
Genome position (GRCh38, 1-based): chr8:71,299,129, C>T on the plus strand (G>A on the coding strand, the complement: EYA1 is on the minus strand). VCF-style: chr8-71299129-C-T. GRCh37 (hg19) VCF-style: chr8-72211364-C-T.
Other names: c.726G>A, p.Thr242= (NM_001288574.2); c.378G>A, p.Thr126= (NM_001288575.2); c.831G>A, p.Thr277= (NM_001370333.1); c.744G>A, p.Thr248= (NM_001370334.1, NM_001370335.1, NM_172058.4); c.813G>A, p.Thr271= (NM_001370336.1); c.816G>A, p.Thr272= (NM_172059.5).
Identifiers: ClinVar variation 178608 (VCV000178608.56), dbSNP rs10098224, ClinGen allele CA182648.